The following is an entry in ClinVar:

ClinVar aggregate classification (germline): Uncertain significance (1 of 4 stars; one submission).

Conditions:
GREB1L-related disorder. Also called: GREB1L-related condition.

Submission:

PreventionGenetics, part of Exact Sciences
Classification: Uncertain significance for GREB1L-related condition. Last evaluated: 2025-07-08. Review status: criteria provided, single submitter. Criteria: ACMG Guidelines, 2015. Collection method: clinical testing. Allele origin: germline.
Comment: The GREB1L c.3196C>T variant is predicted to result in the amino acid substitution p.Arg1066Cys. To our knowledge, this variant has not been reported in the literature. This variant is reported in 0.0044% of alleles in individuals of South Asian descent in gnomAD. At this time, the clinical significance of this variant is uncertain due to the absence of conclusive functional and genetic evidence.

NM_001142966.3(GREB1L):c.3196C>T (p.Arg1066Cys)

Gene: GREB1L (GREB1 like retinoic acid receptor coactivator; plus strand). Cytogenetic location: 18q11.1.
Variant type: single nucleotide variant.
Coding change: c.3196C>T on transcript NM_001142966.3 (MANE Select); coding-DNA position 3196, C replaced by T.
Protein change: p.Arg1066Cys; replaces arginine 1066 with cysteine.
Molecular consequence: missense variant.
Genome position (GRCh38, 1-based): chr18:21,496,503, C>T. VCF-style: chr18-21496503-C-T. GRCh37 (hg19) VCF-style: chr18-19076464-C-T.
Other names: c.3325C>T, p.Arg1109Cys (NM_001410867.1); c.2869C>T, p.Arg957Cys (NM_001410868.1); short protein forms R1066C, R1109C, R957C.
Identifiers: ClinVar variation 4978980 (VCV004978980.1).
Genomic context (GRCh38, chr18:21,496,503, plus strand): 5'-CTTTTGTTCAGGTCTTTGAAGTACTGTGACCTCCGGTTAATTGACTCAAGCTATTTAACT[C>T]GCACGGCCTTGGAGCAGGAGGTGGGTCTGGCATGCTGCTATGTCTCAAAAGAGGTCATCC-3'
Protein context (NP_001136438.1, residues 1056-1076): LRLIDSSYLT[Arg1066Cys]TALEQEVGLA